The following is an entry in ClinVar:

NM_000320.3(QDPR):c.5C>T (p.Ala2Val)

Genes: QDPR (quinoid dihydropteridine reductase; minus strand), LOC129992304 (ATAC-STARR-seq lymphoblastoid silent region 15310; plus strand). Cytogenetic location: 4p15.32.
Variant type: single nucleotide variant.
Coding change: c.5C>T on transcript NM_000320.3 (MANE Select); coding-DNA position 5, C replaced by T.
Protein change: p.Ala2Val; replaces alanine 2 with valine.
Molecular consequence: missense variant. On other transcripts: non-coding transcript variant (1).
Genome position (GRCh38, 1-based): chr4:17,512,050, G>A on the plus strand (C>T on the coding strand, the complement: QDPR is on the minus strand). VCF-style: chr4-17512050-G-A. GRCh37 (hg19) VCF-style: chr4-17513673-G-A.
Other names: c.5C>T, p.Ala2Val (NM_001306140.2); c.5C>T (NM_000320.2); short protein forms A2V.
Identifiers: ClinVar variation 2157809 (VCV002157809.3), dbSNP rs762866860, ClinGen allele CA356454579.
Genomic context (GRCh38, chr4:17,512,050, plus strand): 5'-AGAGCGCCCCTGCCGCCGTACACCAGCACCCGGCGCGCCTCGCCTGCAGCCGCCGCCGCC[G>A]CCATCCTGCTCCTGCCAGCCCGGCTCCCGCAGCTCCGAATGCCTCGAGCCGGAGCGCCGC-3'
Protein context (NP_000311.2, residues 1-12): M[Ala2Val]AAAAAGEARR

ClinVar aggregate classification (germline): Uncertain significance. Review status: criteria provided, multiple submitters, no conflicts (2 of 4 stars). 2 submissions from 2 submitters: Uncertain significance (2). Last evaluated 2025-09-10.

Conditions:
Dihydropteridine reductase deficiency (HPABH4C). Also called: BH4-Deficient Hyperphenylalaninemia C; HYPERPHENYLALANINEMIA, TETRAHYDROBIOPTERIN-DEFICIENT, DUE TO DHPR DEFICIENCY; QDPR DEFICIENCY; QUINOID DIHYDROPTERIDINE REDUCTASE DEFICIENCY; Phenylketonuria II; Hyperphenylalaninemia due to dihydropteridine reductase deficiency. Identifiers: Orphanet 226, Orphanet 238583, MedGen C0268465, MONDO:0009862, OMIM 261630.
Inborn genetic diseases. Identifiers: MedGen C0950123, MeSH D030342.

Allele frequency attached by ClinVar (database versions not stated): TOPMed 0.00001; gnomAD 0.00002.
gnomAD v4.1: 4 of 1,599,316 alleles (0.00025%); highest among the groups gnomAD compares: African/African-American, 0.0014%; no homozygotes.

Submissions (2):

Ambry Genetics
Classification: Uncertain significance for Inborn genetic diseases. Last evaluated: 2025-09-10. Review status: criteria provided, single submitter. Criteria: Ambry Variant Classification Scheme 2023. Collection method: clinical testing. Allele origin: germline.

Labcorp Genetics (formerly Invitae), Labcorp
Classification: Uncertain significance for Dihydropteridine reductase deficiency. Last evaluated: 2024-02-24. Review status: criteria provided, single submitter. Criteria: Invitae Variant Classification Sherloc (09022015). Collection method: clinical testing. Allele origin: germline.
Comment: This sequence change replaces alanine, which is neutral and non-polar, with valine, which is neutral and non-polar, at codon 2 of the QDPR protein (p.Ala2Val). This variant is not present in population databases (gnomAD no frequency). This variant has not been reported in the literature in individuals affected with QDPR-related conditions. ClinVar contains an entry for this variant (Variation ID: 2157809). An algorithm developed to predict the effect of missense changes on protein structure and function (PolyPhen-2) suggests that this variant¬†is likely to be tolerated. In summary, the available evidence is currently insufficient to determine the role of this variant in disease. Therefore, it has been classified as a Variant of Uncertain Significance.